The following is an entry in ClinVar:

NM_000660.7(TGFB1):c.1060C>T (p.Pro354Ser)

Gene: TGFB1 (transforming growth factor beta 1; minus strand). Cytogenetic location: 19q13.2.
Variant type: single nucleotide variant.
Coding change: c.1060C>T on transcript NM_000660.7 (MANE Select); coding-DNA position 1060, C replaced by T.
Protein change: p.Pro354Ser; replaces proline 354 with serine.
Molecular consequence: missense variant.
Genome position (GRCh38, 1-based): chr19:41,331,165, G>A on the plus strand (C>T on the coding strand, the complement: TGFB1 is on the minus strand). VCF-style: chr19-41331165-G-A. GRCh37 (hg19) VCF-style: chr19-41837070-G-A.
Other names: short protein forms P354S.
Identifiers: ClinVar variation 1717451 (VCV001717451.5), dbSNP rs2037925775, ClinGen allele CA405997850.

ClinVar aggregate classification (germline): Uncertain significance (1 of 4 stars; one submission).

Submission:

Labcorp Genetics (formerly Invitae), Labcorp
Classification: Uncertain significance. Last evaluated: 2022-08-21. Review status: criteria provided, single submitter. Criteria: Invitae Variant Classification Sherloc (09022015). Collection method: clinical testing. Allele origin: germline.
Comment: In summary, the available evidence is currently insufficient to determine the role of this variant in disease. Therefore, it has been classified as a Variant of Uncertain Significance. Algorithms developed to predict the effect of missense changes on protein structure and function are either unavailable or do not agree on the potential impact of this missense change (SIFT: "Deleterious"; PolyPhen-2: "Probably Damaging"; Align-GVGD: "Class C0"). This variant has not been reported in the literature in individuals affected with TGFB1-related conditions. This variant is not present in population databases (gnomAD no frequency). This sequence change replaces proline, which is neutral and non-polar, with serine, which is neutral and polar, at codon 354 of the TGFB1 protein (p.Pro354Ser).